The following is an entry in ClinVar:

ClinVar aggregate classification (germline): Uncertain significance (1 of 4 stars; one submission).

Conditions:
TTC21B-related disorder. Also called: TTC21B-related condition; TTC21B-related disorders.

Submission:

PreventionGenetics, part of Exact Sciences
Classification: Uncertain significance for TTC21B-related condition. Last evaluated: 2025-03-27. Review status: criteria provided, single submitter. Criteria: ACMG Guidelines, 2015. Collection method: clinical testing. Allele origin: germline.
Comment: The TTC21B c.364G>A variant is predicted to result in the amino acid substitution p.Gly122Ser. To our knowledge, this variant has not been reported in the literature or in a large population database (gnomAD), indicating this variant is rare. At this time, the clinical significance of this variant is uncertain due to the absence of conclusive functional and genetic evidence.

NM_024753.5(TTC21B):c.364G>A (p.Gly122Ser)

Genes: TTC21B (tetratricopeptide repeat domain 21B; minus strand), TTC21B-AS1 (TTC21B antisense RNA 1; plus strand). Cytogenetic location: 2q24.3.
Variant type: single nucleotide variant.
Coding change: c.364G>A on transcript NM_024753.5 (MANE Select); coding-DNA position 364, G replaced by A.
Protein change: p.Gly122Ser; replaces glycine 122 with serine.
Molecular consequence: missense variant.
Genome position (GRCh38, 1-based): chr2:165,945,589, C>T on the plus strand (G>A on the coding strand, the complement: TTC21B is on the minus strand). VCF-style: chr2-165945589-C-T. GRCh37 (hg19) VCF-style: chr2-166802099-C-T.
Other names: short protein forms G122S.
Identifiers: ClinVar variation 4998920 (VCV004998920.1).